The following is an entry in ClinVar:

ClinVar aggregate classification (germline): Likely benign (1 of 4 stars; one submission).

Conditions:
LRRC45-related disorder. Also called: LRRC45-related condition.

Submission:

PreventionGenetics, part of Exact Sciences
Classification: Likely benign for LRRC45-related condition. Last evaluated: 2025-04-16. Review status: criteria provided, single submitter. Criteria: ACMG Guidelines, 2015. Collection method: clinical testing. Allele origin: germline.
Comment: This variant is classified as likely benign based on ACMG/AMP sequence variant interpretation guidelines (Richards et al. 2015 PMID: 25741868, with internal and published modifications).

NM_144999.4(LRRC45):c.1284C>T (p.Asp428=)

Gene: LRRC45 (leucine rich repeat containing 45; plus strand). Cytogenetic location: 17q25.3.
Variant type: single nucleotide variant.
Coding change: c.1284C>T on transcript NM_144999.4 (MANE Select); coding-DNA position 1284, C replaced by T.
Protein change: p.Asp428=; no amino-acid change (aspartic acid 428 retained).
Molecular consequence: synonymous variant.
Genome position (GRCh38, 1-based): chr17:82,028,659, C>T. VCF-style: chr17-82028659-C-T. GRCh37 (hg19) VCF-style: chr17-79986535-C-T.
Identifiers: ClinVar variation 5001967 (VCV005001967.1).
Genomic context (GRCh38, chr17:82,028,659, plus strand): 5'-CCCTGGGCTTCCAGAGCGCCTGGACATGGAGAAGAGAAGATGCAGACAGAGCCTGGAGGA[C>T]TCCGAAAGCCTGCGCATCAAGGAGGTGCCCTCTTCGTTGGCCTCTAATGCGCCTCAGTCT-3'
Protein context (NP_659436.1, residues 418-438): EKRRCRQSLE[Asp428=]SESLRIKEVE